The following is an entry in ClinVar:

ClinVar aggregate classification (germline): Likely pathogenic (1 of 4 stars; one submission).

Conditions:
Fanconi anemia complementation group A (FANCA). Also called: Fanconi anemia, group A; FANCA-Related Fanconi Anemia. Identifiers: Orphanet 84, MedGen C3469521, MONDO:0009215, OMIM 227650.

Submission:

Myriad Genetics, Inc.
Classification: Likely pathogenic for Fanconi anemia complementation group A. Last evaluated: 2019-04-04. Review status: criteria provided, single submitter. Criteria: Myriad Women's Health Autosomal Recessive and X-Linked Classification Criteria (2019). Collection method: clinical testing. Allele origin: unknown.
Comment: NM_000135.2(FANCA):c.3640G>T(E1214*) is expected to be pathogenic in the context of Fanconi anemia complementation group A. This variant is predicted to lead to an abnormal or absent protein product due to the creation of a premature termination codon in FANCA, a gene where loss-of-function variants are known to be pathogenic. Please note: this variant was assessed in the context of healthy population screening.

NM_000135.4(FANCA):c.3640G>T (p.Glu1214Ter)

Gene: FANCA (FA complementation group A; minus strand). Cytogenetic location: 16q24.3.
Variant type: single nucleotide variant.
Coding change: c.3640G>T on transcript NM_000135.4 (MANE Select); coding-DNA position 3640, G replaced by T.
Protein change: p.Glu1214Ter; replaces glutamic acid 1214 with a stop codon.
Molecular consequence: nonsense.
Genome position (GRCh38, 1-based): chr16:89,742,925, C>A on the plus strand (G>T on the coding strand, the complement: FANCA is on the minus strand). VCF-style: chr16-89742925-C-A. GRCh37 (hg19) VCF-style: chr16-89809333-C-A.
Other names: c.3640G>T, p.Glu1214Ter (NM_001286167.3); short protein forms E1214*.
Identifiers: ClinVar variation 983703 (VCV000983703.3), dbSNP rs2062172011, ClinGen allele CA397485529.